The following is an entry in ClinVar:

ClinVar aggregate classification (germline): Uncertain significance (1 of 4 stars; one submission).

gnomAD v4.1: 12 of 1,614,176 alleles (0.00074%); highest among the groups gnomAD compares: Admixed American, 0.0017%; no homozygotes.

Submission:

Labcorp Genetics (formerly Invitae), Labcorp
Classification: Uncertain significance. Last evaluated: 2024-01-18. Review status: criteria provided, single submitter. Criteria: Invitae Variant Classification Sherloc (09022015). Collection method: clinical testing. Allele origin: germline.
Comment: This sequence change replaces aspartic acid, which is acidic and polar, with glutamic acid, which is acidic and polar, at codon 224 of the ITGB3 protein (p.Asp224Glu). This variant is present in population databases (no rsID available, gnomAD 0.003%). This variant has not been reported in the literature in individuals affected with ITGB3-related conditions. Advanced modeling of protein sequence and biophysical properties (such as structural, functional, and spatial information, amino acid conservation, physicochemical variation, residue mobility, and thermodynamic stability) performed at Invitae indicates that this missense variant is not expected to disrupt ITGB3 protein function with a negative predictive value of 80%. In summary, the available evidence is currently insufficient to determine the role of this variant in disease. Therefore, it has been classified as a Variant of Uncertain Significance.

NM_000212.3(ITGB3):c.672C>G (p.Asp224Glu)

Gene: ITGB3 (integrin subunit beta 3; plus strand). Cytogenetic location: 17q21.32.
Variant type: single nucleotide variant.
Coding change: c.672C>G on transcript NM_000212.3 (MANE Select); coding-DNA position 672, C replaced by G.
Protein change: p.Asp224Glu; replaces aspartic acid 224 with glutamic acid.
Molecular consequence: missense variant.
Genome position (GRCh38, 1-based): chr17:47,286,317, C>G. VCF-style: chr17-47286317-C-G. GRCh37 (hg19) VCF-style: chr17-45363683-C-G.
Other names: short protein forms D224E.
Identifiers: ClinVar variation 2887055 (VCV002887055.1), dbSNP rs765078053, ClinGen allele CA400023482.
Genomic context (GRCh38, chr17:47,286,317, plus strand): 5'-CAGTATGAAGACCACCTGCTTGCCCATGTTTGGCTACAAACACGTGCTGACGCTAACTGA[C>G]CAGGTGACCCGCTTCAATGAGGAAGTGAAGAAGCAGAGTGTGTCACGGAACCGAGATGCC-3'
Protein context (NP_000203.2, residues 214-234): FGYKHVLTLT[Asp224Glu]QVTRFNEEVK